The following is an entry in ClinVar:

NC_012920.1(MT-ND5):m.12436C>T

Gene: MT-ND5 (mitochondrially encoded NADH dehydrogenase 5; plus strand).
Variant type: single nucleotide variant.
Genome position: chrM-12436-C-T.
Identifiers: ClinVar variation 693442 (VCV000693442.1), dbSNP rs1603223738, ClinGen allele CA414813146.

ClinVar aggregate classification (germline): Likely benign (1 of 4 stars; one submission).

Conditions:
Leigh syndrome (NULS). Also called: Leigh's necrotizing encephalopathy; Leigh's disease; Leigh Syndrome (mtDNA deletion); Leigh Disease; Subacute necrotizing encephalopathy; Necrotizing encephalopathy infantile subacute of Leigh. Identifiers: Orphanet 506, MedGen C2931891, MONDO:0009723, OMIM 256000.

Submission:

Wong Mito Lab, Molecular and Human Genetics, Baylor College of Medicine
Classification: Likely benign for Leigh syndrome. Last evaluated: 2019-10-17. Review status: criteria provided, single submitter. Criteria: Modified ACMG Guidelines (Unpublished). Collection method: clinical testing. Allele origin: germline.
Comment: The NC_012920.1:m.12436C>T (YP_003024036.1:p.His34Tyr) variant in MTND5 gene is interpretated to be a Likely Benign variant based on the modified ACMG guidelines (unpublished). This variant meets the following evidence codes: BS1, BP4